The following is an entry in ClinVar:

NM_000183.3(HADHB):c.1301G>T (p.Gly434Val)

Gene: HADHB (hydroxyacyl-CoA dehydrogenase trifunctional multienzyme complex subunit beta; plus strand). Cytogenetic location: 2p23.3.
Variant type: single nucleotide variant.
Coding change: c.1301G>T on transcript NM_000183.3 (MANE Select); coding-DNA position 1301, G replaced by T.
Protein change: p.Gly434Val; replaces glycine 434 with valine.
Molecular consequence: missense variant.
Genome position (GRCh38, 1-based): chr2:26,285,483, G>T. VCF-style: chr2-26285483-G-T. GRCh37 (hg19) VCF-style: chr2-26508351-G-T.
Other names: c.1256G>T, p.Gly419Val (NM_001281512.2); c.1235G>T, p.Gly412Val (NM_001281513.2); short protein forms G412V, G419V, G434V.
Identifiers: ClinVar variation 1809760 (VCV001809760.2), dbSNP rs752485728, ClinGen allele CA1560509.
Genomic context (GRCh38, chr2:26,285,483, plus strand): 5'-TGGAGAAGTTTAATAACTGGGGTGGATCTCTGTCCCTGGGACACCCATTTGGAGCCACTG[G>T]CTGCAGGTTGGTCATGGCTGCTGCCAACAGATTACGGAAAGAAGGAGGCCAGTATGGCTT-3'
Protein context (NP_000174.1, residues 424-444): LSLGHPFGAT[Gly434Val]CRLVMAAANR

ClinVar aggregate classification (germline): Likely pathogenic. Review status: criteria provided, multiple submitters, no conflicts (2 of 4 stars). 2 submissions from 2 submitters: Likely pathogenic (2). Last evaluated 2025-12-30.

Conditions:
Mitochondrial trifunctional protein deficiency. Identifiers: Orphanet 746, MedGen C1969443, MONDO:0012172.

Allele frequency attached by ClinVar (database versions not stated): gnomAD exomes 0.00001; ExAC 0.00002.
gnomAD v4.1: 7 of 1,613,812 alleles (0.00043%); highest among the groups gnomAD compares: South Asian, 0.0077%; no homozygotes.

Submissions (2):

Women's Health and Genetics/Laboratory Corporation of America, LabCorp
Classification: Likely pathogenic for Mitochondrial trifunctional protein deficiency. Last evaluated: 2025-12-30. Review status: criteria provided, single submitter. Criteria: LabCorp Variant Classification Summary - May 2015. Collection method: clinical testing. Allele origin: germline.
Comment: Variant summary: HADHB c.1301G>T (p.Gly434Val) results in a non-conservative amino acid change in the encoded protein sequence. Algorithms developed to predict the effect of missense changes on protein structure and function all suggest that this variant is likely to be disruptive. The variant allele was found at a frequency of 1.6e-05 in 251428 control chromosomes. c.1301G>T has been observed in individual(s) affected with Mitochondrial Trifunctional Protein Deficiency (example, Kingsmore_2022, overlapping with Maron_2023). These data indicate that the variant is likely to be associated with disease. To our knowledge, no experimental evidence demonstrating an impact on protein function has been reported. The following publications have been ascertained in the context of this evaluation (PMID: 36007526, 37432431). ClinVar contains an entry for this variant (Variation ID: 1809760). Based on the evidence outlined above, the variant was classified as likely pathogenic.

Athena Diagnostics
Classification: Likely pathogenic. Last evaluated: 2020-07-23. Review status: criteria provided, single submitter. Criteria: Athena Diagnostics Criteria. Collection method: clinical testing. Allele origin: unknown.
Comment: The assessment of biochemical findings for an individual tested at Athena Diagnostics suggests this variant results in abnormal protein function. The frequency of this variant in the general population is consistent with pathogenicity for a recessive disorder. This observation is not an independent occurrence and has been identified in the same individual by RCIGM, the other laboratory participating in the GEMINI study.

Literature cited by the submitters: PubMed 36007526 (cited by Women's Health and Genetics/Laboratory Corporation of America, LabCorp); PubMed 37432431 (cited by Women's Health and Genetics/Laboratory Corporation of America, LabCorp).